The following is an entry in ClinVar:

NM_002677.5(PMP2):c.259C>G (p.Leu87Val)

Gene: PMP2 (peripheral myelin protein 2; minus strand). Cytogenetic location: 8q21.13.
Variant type: single nucleotide variant.
Coding change: c.259C>G on transcript NM_002677.5 (MANE Select); coding-DNA position 259, C replaced by G.
Protein change: p.Leu87Val; replaces leucine 87 with valine.
Molecular consequence: missense variant.
Genome position (GRCh38, 1-based): chr8:81,444,589, G>C on the plus strand (C>G on the coding strand, the complement: PMP2 is on the minus strand). VCF-style: chr8-81444589-G-C. GRCh37 (hg19) VCF-style: chr8-82356824-G-C.
Other names: c.86C>G, p.Pro29Arg (NM_001348381.2); short protein forms L87V, P29R.
Identifiers: ClinVar variation 2998663 (VCV002998663.4), dbSNP rs759876657, ClinGen allele CA4791930.
Genomic context (GRCh38, chr8:81,444,589, plus strand): 5'-TCTTTATGGTTGTCTCTTTGCCATCCCATCTCTGCACTTGATTCAGTGATCCTCTCTGCA[G>C]GGTTACGATGCTCTGCAAAGACAAGGTCATGCAATTGACTTGCCTGAAATTTGTTGATCA-3'
Protein context (NP_002668.1, residues 77-97): DNRKTKSIVT[Leu87Val]QRGSLNQVQR

ClinVar aggregate classification (germline): Uncertain significance. Review status: criteria provided, multiple submitters, no conflicts (2 of 4 stars). 2 submissions from 2 submitters: Uncertain significance (2). Last evaluated 2026-03-24.

Allele frequency attached by ClinVar (database versions not stated): gnomAD exomes below 0.00001; ExAC 0.00001; gnomAD 0.00001.
gnomAD v4.1: 3 of 1,612,900 alleles (0.00019%); highest among the groups gnomAD compares: Non-Finnish European, 0.00025%; no homozygotes.

Submissions (2):

Women's Health and Genetics/Laboratory Corporation of America, LabCorp
Classification: Uncertain significance. Last evaluated: 2026-03-24. Review status: criteria provided, single submitter. Criteria: LabCorp Variant Classification Summary - May 2015. Collection method: clinical testing. Allele origin: germline.
Comment: Variant summary: PMP2 c.259C>G (p.Leu87Val) results in a conservative amino acid change in the encoded protein sequence. Algorithms developed to predict the effect of missense changes on protein structure and function are either unavailable or do not agree on the potential impact of this missense change. The variant allele was found at a frequency of 4e-06 in 250534 control chromosomes. The available data on variant occurrences in the general population are insufficient to allow any conclusion about variant significance. To our knowledge, no occurrence of c.259C>G in individuals affected with PMP2-related conditions and no experimental evidence demonstrating its impact on protein function have been reported. ClinVar contains an entry for this variant (Variation ID: 2998663). Based on the evidence outlined above, the variant was classified as uncertain significance.

Labcorp Genetics (formerly Invitae), Labcorp
Classification: Uncertain significance. Last evaluated: 2024-07-31. Review status: criteria provided, single submitter. Criteria: Invitae Variant Classification Sherloc (09022015). Collection method: clinical testing. Allele origin: germline.
Comment: This sequence change replaces leucine, which is neutral and non-polar, with valine, which is neutral and non-polar, at codon 87 of the PMP2 protein (p.Leu87Val). This variant is present in population databases (rs759876657, gnomAD 0.002%). This variant has not been reported in the literature in individuals affected with PMP2-related conditions. An algorithm developed to predict the effect of missense changes on protein structure and function (PolyPhen-2) suggests that this variant is likely to be tolerated. In summary, the available evidence is currently insufficient to determine the role of this variant in disease. Therefore, it has been classified as a Variant of Uncertain Significance.